The following is an entry in ClinVar:

ClinVar aggregate classification (germline): Likely benign. Review status: criteria provided, multiple submitters, no conflicts (2 of 4 stars). 4 submissions from 4 submitters: Likely benign (4). Last evaluated 2025-08-03.

Conditions:
Ehlers-Danlos syndrome, classic type, 1 (EDSCL1). Also called: EHLERS-DANLOS SYNDROME, GRAVIS TYPE; EHLERS-DANLOS SYNDROME, SEVERE CLASSIC TYPE; Ehlers-Danlos Syndrome, Classic Type, COL5A1-Related; EDS I; Ehlers-Danlos syndrome, type 1. Identifiers: MedGen C0268335, MONDO:0019567, OMIM 130000.
Ehlers-Danlos syndrome, classic type (cEDS). Identifiers: Orphanet 287, MedGen C4225429, MONDO:0007522.
Familial thoracic aortic aneurysm and aortic dissection (TAAD). Also called: Thoracic aortic aneurysms and dissections. Identifiers: Orphanet 91387, MedGen C4707243, MONDO:0019625.

Allele frequency attached by ClinVar (database versions not stated): gnomAD exomes 0.00002; TOPMed 0.00003; gnomAD 0.00002; ExAC 0.00003.
gnomAD v4.1: 29 of 1,596,634 alleles (0.0018%); highest among the groups gnomAD compares: South Asian, 0.0045%; no homozygotes.

Submissions (4):

Labcorp Genetics (formerly Invitae), Labcorp
Classification: Likely benign for Ehlers-Danlos syndrome, classic type, 1. Last evaluated: 2025-08-03. Review status: criteria provided, single submitter. Criteria: Invitae Variant Classification Sherloc (09022015). Collection method: clinical testing. Allele origin: germline.

Women's Health and Genetics/Laboratory Corporation of America, LabCorp
Classification: Likely benign. Last evaluated: 2025-07-28. Review status: criteria provided, single submitter. Criteria: LabCorp Variant Classification Summary - May 2015. Collection method: clinical testing. Allele origin: germline.

Ambry Genetics
Classification: Likely benign for Familial thoracic aortic aneurysm and aortic dissection. Last evaluated: 2025-02-10. Review status: criteria provided, single submitter. Criteria: Ambry Variant Classification Scheme 2023. Collection method: clinical testing. Allele origin: germline.

Illumina Laboratory Services, Illumina
Classification: Likely benign for Ehlers-Danlos syndrome, classic type, 1. Last evaluated: 2018-01-13. Review status: criteria provided, single submitter. Criteria: ICSL Variant Classification Criteria 13 December 2019. Collection method: clinical testing. Allele origin: germline.
Comment: This variant was observed in the ICSL laboratory as part of a predisposition screen in an ostensibly healthy population. It had not been previously curated by ICSL or reported in the Human Gene Mutation Database (HGMD: prior to June 1st, 2018), and was therefore a candidate for classification through an automated scoring system. Utilizing variant allele frequency, disease prevalence and penetrance estimates, and inheritance mode, an automated score was calculated to assess if this variant is too frequent to cause the disease. Based on the score and internal cut-off values, a variant classified as likely benign is not then subjected to further curation. The score for this variant resulted in a classification of likely benign for this disease.

NM_000093.5(COL5A1):c.3627C>T (p.Phe1209=)

Gene: COL5A1 (collagen type V alpha 1 chain; plus strand). Cytogenetic location: 9q34.3.
Variant type: single nucleotide variant.
Coding change: c.3627C>T on transcript NM_000093.5 (MANE Select); coding-DNA position 3627, C replaced by T.
Protein change: p.Phe1209=; no amino-acid change (phenylalanine 1209 retained).
Molecular consequence: synonymous variant.
Genome position (GRCh38, 1-based): chr9:134,811,536, C>T. VCF-style: chr9-134811536-C-T. GRCh37 (hg19) VCF-style: chr9-137703382-C-T.
Other names: c.3627C>T, p.Phe1209= (NM_001278074.1); c.3627C>T (NM_000093.3).
Identifiers: ClinVar variation 365722 (VCV000365722.18), dbSNP rs748000980, ClinGen allele CA5319971.